The following is an entry in ClinVar:

NM_000316.3(PTH1R):c.1304C>T (p.Thr435Met)

Gene: PTH1R (parathyroid hormone 1 receptor; plus strand). Cytogenetic location: 3p21.31.
Variant type: single nucleotide variant.
Coding change: c.1304C>T on transcript NM_000316.3 (MANE Select); coding-DNA position 1304, C replaced by T.
Protein change: p.Thr435Met; replaces threonine 435 with methionine.
Molecular consequence: missense variant.
Genome position (GRCh38, 1-based): chr3:46,902,618, C>T. VCF-style: chr3-46902618-C-T. GRCh37 (hg19) VCF-style: chr3-46944108-C-T.
Other names: c.1304C>T, p.Thr435Met (NM_001184744.1); short protein forms T435M.
Identifiers: ClinVar variation 64398 (VCV000064398.12), dbSNP rs387907460, ClinGen allele CA216058.

ClinVar aggregate classification (germline): Conflicting classifications of pathogenicity. Review status: criteria provided, conflicting classifications (1 of 4 stars). 6 submissions from 5 submitters: Uncertain significance (3); Benign (1); Likely benign (1). 1 of the submissions does not count toward it. Last evaluated 2024-10-24.

Conditions:
Metaphyseal chondrodysplasia, Jansen type. Also called: Metaphyseal chondrodysplasia Murk Jansen type; PTH1R-Related Jansen Metaphyseal Chondrodysplasia. Identifiers: Orphanet 33067, MedGen C0265295, MONDO:0007982, OMIM 156400.
Chondrodysplasia Blomstrand type (BOCD). Identifiers: Orphanet 50945, MedGen C1859148, MONDO:0008970, OMIM 215045.
Intellectual disability. Also called: intellectual disabilities; Intellectual functioning disability; Intellectual developmental disorder. Identifiers: MedGen C3714756, MeSH D008607, MONDO:0001071, HP:0001249.

Allele frequency attached by ClinVar (database versions not stated): gnomAD 0.00005 and 0.00006; TOPMed 0.00009.
gnomAD v4.1: 117 of 1,613,946 alleles (0.0072%); highest among the groups gnomAD compares: Non-Finnish European, 0.0087%; no homozygotes.

Submissions (6):

Labcorp Genetics (formerly Invitae), Labcorp
Classification: Uncertain significance. Last evaluated: 2024-10-24. Review status: criteria provided, single submitter. Criteria: Invitae Variant Classification Sherloc (09022015). Collection method: clinical testing. Allele origin: germline.
Comment: This sequence change replaces threonine, which is neutral and polar, with methionine, which is neutral and non-polar, at codon 435 of the PTH1R protein (p.Thr435Met). This variant is present in population databases (rs387907460, gnomAD 0.009%). This variant has not been reported in the literature in individuals affected with PTH1R-related conditions. ClinVar contains an entry for this variant (Variation ID: 64398). Invitae Evidence Modeling of protein sequence and biophysical properties (such as structural, functional, and spatial information, amino acid conservation, physicochemical variation, residue mobility, and thermodynamic stability) indicates that this missense variant is not expected to disrupt PTH1R protein function with a negative predictive value of 80%. In summary, the available evidence is currently insufficient to determine the role of this variant in disease. Therefore, it has been classified as a Variant of Uncertain Significance.

Cambridge Genomics Laboratory, East Genomic Laboratory Hub, NHS Genomic Medicine Service
Classification: Benign for Intellectual disability. Last evaluated: 2020-04-16. Review status: criteria provided, single submitter. Criteria: ACGS Best Practice Guidelines for Variant Classification in Rare Disease 2020. Collection method: clinical testing. Allele origin: germline. Affected: yes. Observed: 1 variant allele.

GeneDx
Classification: Uncertain significance. Last evaluated: 2019-04-30. Review status: criteria provided, single submitter. Criteria: GeneDx Variant Classification Process June 2021. Collection method: clinical testing. Allele origin: germline. Affected: yes.
Comment: In silico analysis, which includes protein predictors and evolutionary conservation, supports that this variant does not alter protein structure/function; Has not been previously published as pathogenic or benign to our knowledge

Illumina Laboratory Services, Illumina
Classification: Likely benign for Metaphyseal chondrodysplasia, Jansen type. Last evaluated: 2018-01-13. Review status: criteria provided, single submitter. Criteria: ICSL Variant Classification Criteria 13 December 2019. Collection method: clinical testing. Allele origin: germline.
Comment: This variant was observed in the ICSL laboratory as part of a predisposition screen in an ostensibly healthy population. It had not been previously curated by ICSL or reported in the Human Gene Mutation Database (HGMD: prior to June 1st, 2018), and was therefore a candidate for classification through an automated scoring system. Utilizing variant allele frequency, disease prevalence and penetrance estimates, and inheritance mode, an automated score was calculated to assess if this variant is too frequent to cause the disease. Based on the score and internal cut-off values, a variant classified as likely benign is not then subjected to further curation. The score for this variant resulted in a classification of likely benign for this disease.

Illumina Laboratory Services, Illumina
Classification: Uncertain significance for Chondrodysplasia Blomstrand type. Last evaluated: 2018-01-13. Review status: criteria provided, single submitter. Criteria: ICSL Variant Classification Criteria 13 December 2019. Collection method: clinical testing. Allele origin: germline.

Martin Pollak Laboratory,  Beth Israel Deaconess Medical Center
Classification: Uncertain significance. Review status: no assertion criteria provided. Collection method: not provided. Allele origin: unknown. Not counted in ClinVar's aggregate classification.
Comment: Lower UCa2+ group
ClinVar note: Converted during submission from unknown to Uncertain significance.